The following is an entry in ClinVar:

ClinVar aggregate classification (germline): Uncertain significance (0 of 4 stars; one submission).

Conditions:
ADCY3-related disorder. Also called: ADCY3-related condition.

gnomAD v4.1: 1 of 1,614,128 alleles (0.000062%); highest among the groups gnomAD compares: South Asian, 0.0011%; no homozygotes.

Submission:

PreventionGenetics, part of Exact Sciences
Classification: Uncertain significance for ADCY3-related condition. Last evaluated: 2024-03-20. Review status: no assertion criteria provided. Collection method: clinical testing. Allele origin: germline.
Comment: The ADCY3 c.1388G>A variant is predicted to result in the amino acid substitution p.Cys463Tyr. To our knowledge, this variant has not been reported in the literature or in a large population database, indicating this variant is rare. At this time, the clinical significance of this variant is uncertain due to the absence of conclusive functional and genetic evidence.

NM_004036.5(ADCY3):c.1388G>A (p.Cys463Tyr)

Gene: ADCY3 (adenylate cyclase 3; minus strand). Cytogenetic location: 2p23.3.
Variant type: single nucleotide variant.
Coding change: c.1388G>A on transcript NM_004036.5 (MANE Select); coding-DNA position 1388, G replaced by A.
Protein change: p.Cys463Tyr; replaces cysteine 463 with tyrosine.
Molecular consequence: missense variant.
Genome position (GRCh38, 1-based): chr2:24,838,590, C>T on the plus strand (G>A on the coding strand, the complement: ADCY3 is on the minus strand). VCF-style: chr2-24838590-C-T. GRCh37 (hg19) VCF-style: chr2-25061459-C-T.
Other names: c.1388G>A, p.Cys463Tyr (NM_001320613.2, NM_001377129.1, NM_001377130.1 and 1 more transcripts); c.1454G>A, p.Cys485Tyr (NM_001377128.1); c.665G>A, p.Cys222Tyr (NM_001377131.1); short protein forms C222Y, C463Y, C485Y.
Identifiers: ClinVar variation 3348243 (VCV003348243.1).